The following is an entry in ClinVar:

ClinVar aggregate classification (germline): Uncertain significance. Review status: criteria provided, multiple submitters, no conflicts (2 of 4 stars). 2 submissions from 2 submitters: Uncertain significance (2). Last evaluated 2024-09-26.

Conditions:
Rafiq syndrome (RAFQS). Identifiers: Orphanet 88616, MedGen C3280127, MONDO:0013624, OMIM 614202.
Inborn genetic diseases. Identifiers: MedGen C0950123, MeSH D030342.

Allele frequency attached by ClinVar (database versions not stated): TOPMed 0.00001; gnomAD 0.00002.
gnomAD v4.1: 22 of 1,611,544 alleles (0.0014%); highest among the groups gnomAD compares: Middle Eastern, 0.049%; no homozygotes.

Submissions (2):

Ambry Genetics
Classification: Uncertain significance for Inborn genetic diseases. Last evaluated: 2024-09-26. Review status: criteria provided, single submitter. Criteria: Ambry Variant Classification Scheme 2023. Collection method: clinical testing. Allele origin: germline.

Labcorp Genetics (formerly Invitae), Labcorp
Classification: Uncertain significance for Rafiq syndrome. Last evaluated: 2022-04-10. Review status: criteria provided, single submitter. Criteria: Invitae Variant Classification Sherloc (09022015). Collection method: clinical testing. Allele origin: germline.
Comment: This sequence change replaces arginine, which is basic and polar, with glycine, which is neutral and non-polar, at codon 614 of the MAN1B1 protein (p.Arg614Gly). This variant is present in population databases (rs779180847, gnomAD 0.004%). This variant has not been reported in the literature in individuals affected with MAN1B1-related conditions. Algorithms developed to predict the effect of missense changes on protein structure and function (SIFT, PolyPhen-2, Align-GVGD) all suggest that this variant is likely to be tolerated. In summary, the available evidence is currently insufficient to determine the role of this variant in disease. Therefore, it has been classified as a Variant of Uncertain Significance.

NM_016219.5(MAN1B1):c.1840C>G (p.Arg614Gly)

Gene: MAN1B1 (mannosidase alpha class 1B member 1; plus strand). Cytogenetic location: 9q34.3.
Variant type: single nucleotide variant.
Coding change: c.1840C>G on transcript NM_016219.5 (MANE Select); coding-DNA position 1840, C replaced by G.
Protein change: p.Arg614Gly; replaces arginine 614 with glycine.
Molecular consequence: missense variant. On other transcripts: non-coding transcript variant (2).
Genome position (GRCh38, 1-based): chr9:137,107,606, C>G. VCF-style: chr9-137107606-C-G. GRCh37 (hg19) VCF-style: chr9-140002058-C-G.
Other names: c.1732C>G, p.Arg578Gly (NM_007230.1); c.1840C>G (NM_016219.3); short protein forms R578G, R614G.
Identifiers: ClinVar variation 2085207 (VCV002085207.2), dbSNP rs779180847, ClinGen allele CA5359408.